The following is an entry in ClinVar:

NM_002160.4(TNC):c.2116G>A (p.Ala706Thr)

Gene: TNC (tenascin C; minus strand). Cytogenetic location: 9q33.1.
Variant type: single nucleotide variant.
Coding change: c.2116G>A on transcript NM_002160.4 (MANE Select); coding-DNA position 2116, G replaced by A.
Protein change: p.Ala706Thr; replaces alanine 706 with threonine.
Molecular consequence: missense variant.
Genome position (GRCh38, 1-based): chr9:115,084,224, C>T on the plus strand (G>A on the coding strand, the complement: TNC is on the minus strand). VCF-style: chr9-115084224-C-T. GRCh37 (hg19) VCF-style: chr9-117846503-C-T.
Other names: c.2116G>A, p.Ala706Thr (NM_001410991.1); short protein forms A706T.
Identifiers: ClinVar variation 3346780 (VCV003346780.2).

ClinVar aggregate classification (germline): Uncertain significance. Review status: criteria provided, single submitter (1 of 4 stars). 2 submissions from 2 submitters: Uncertain significance (1). 1 of the submissions does not count toward it. Last evaluated 2025-01-29.

Conditions:
TNC-related disorder. Also called: TNC-related condition.

gnomAD v4.1: 85 of 1,613,820 alleles (0.0053%); highest among the groups gnomAD compares: Non-Finnish European, 0.0065%; no homozygotes.

Submissions (2):

Ambry Genetics
Classification: Uncertain significance. Last evaluated: 2025-01-29. Review status: criteria provided, single submitter. Criteria: Ambry Variant Classification Scheme 2023. Collection method: clinical testing. Allele origin: germline.

PreventionGenetics, part of Exact Sciences
Classification: Uncertain significance for TNC-related condition. Last evaluated: 2024-08-05. Review status: no assertion criteria provided. Collection method: clinical testing. Allele origin: germline. Not counted in ClinVar's aggregate classification.
Comment: The TNC c.2116G>A variant is predicted to result in the amino acid substitution p.Ala706Thr. To our knowledge, this variant has not been reported in the literature. This variant is reported in 0.013% of alleles in individuals of European (Non-Finnish) descent in gnomAD. Although we suspect that this variant may be benign, at this time, the clinical significance of this variant is uncertain due to the absence of conclusive functional and genetic evidence.